The following is an entry in ClinVar:

NM_012079.6(DGAT1):c.661G>A (p.Ala221Thr)

Gene: DGAT1 (diacylglycerol O-acyltransferase 1; minus strand). Cytogenetic location: 8q24.3.
Variant type: single nucleotide variant.
Coding change: c.661G>A on transcript NM_012079.6 (MANE Select); coding-DNA position 661, G replaced by A.
Protein change: p.Ala221Thr; replaces alanine 221 with threonine.
Molecular consequence: missense variant.
Genome position (GRCh38, 1-based): chr8:144,318,276, C>T on the plus strand (G>A on the coding strand, the complement: DGAT1 is on the minus strand). VCF-style: chr8-144318276-C-T. GRCh37 (hg19) VCF-style: chr8-145541939-C-T.
Other names: c.661G>A (NM_012079.4); short protein forms A221T.
Identifiers: ClinVar variation 2178155 (VCV002178155.2), dbSNP rs1285605631, ClinGen allele CA372612128.

ClinVar aggregate classification (germline): Uncertain significance. Review status: criteria provided, multiple submitters, no conflicts (2 of 4 stars). 2 submissions from 2 submitters: Uncertain significance (2). Last evaluated 2025-10-22.

Conditions:
Inborn genetic diseases. Identifiers: MedGen C0950123, MeSH D030342.

Allele frequency attached by ClinVar (database versions not stated): gnomAD exomes below 0.00001; TOPMed 0.00002; gnomAD 0.00002.

Submissions (2):

Ambry Genetics
Classification: Uncertain significance for Inborn genetic diseases. Last evaluated: 2025-10-22. Review status: criteria provided, single submitter. Criteria: Ambry Variant Classification Scheme 2023. Collection method: clinical testing. Allele origin: germline.

Labcorp Genetics (formerly Invitae), Labcorp
Classification: Uncertain significance. Last evaluated: 2022-02-08. Review status: criteria provided, single submitter. Criteria: Invitae Variant Classification Sherloc (09022015). Collection method: clinical testing. Allele origin: germline.
Comment: This sequence change replaces alanine, which is neutral and non-polar, with threonine, which is neutral and polar, at codon 221 of the DGAT1 protein (p.Ala221Thr). This variant is present in population databases (no rsID available, gnomAD 0.002%). This variant has not been reported in the literature in individuals affected with DGAT1-related conditions. Algorithms developed to predict the effect of missense changes on protein structure and function (SIFT, PolyPhen-2, Align-GVGD) all suggest that this variant is likely to be tolerated. In summary, the available evidence is currently insufficient to determine the role of this variant in disease. Therefore, it has been classified as a Variant of Uncertain Significance.